The following is an entry in ClinVar:

NM_013382.7(POMT2):c.306C>A (p.Phe102Leu)

Gene: POMT2 (protein O-mannosyltransferase 2; minus strand). Cytogenetic location: 14q24.3.
Variant type: single nucleotide variant.
Coding change: c.306C>A on transcript NM_013382.7 (MANE Select); coding-DNA position 306, C replaced by A.
Protein change: p.Phe102Leu; replaces phenylalanine 102 with leucine.
Molecular consequence: missense variant.
Genome position (GRCh38, 1-based): chr14:77,311,976, G>T on the plus strand (C>A on the coding strand, the complement: POMT2 is on the minus strand). VCF-style: chr14-77311976-G-T. GRCh37 (hg19) VCF-style: chr14-77778319-G-T.
Other names: short protein forms F102L.
Identifiers: ClinVar variation 3385078 (VCV003385078.1).
Genomic context (GRCh38, chr14:77,311,976, plus strand): 5'-GACCAGAGAGCTGCTATTCACCACACTGCTCACCTTTCCCAGGGGCGGGTGCACATCAAA[G>T]AAAAATGTACGGTTGATATAGTAACTTCCCATTTTTCCAAAGTGAGTCTCATCCCAACTA-3'
Protein context (NP_037514.2, residues 92-112): MGSYYINRTF[Phe102Leu]FDVHPPLGKM

ClinVar aggregate classification (germline): Uncertain significance (1 of 4 stars; one submission).

Submission:

Women's Health and Genetics/Laboratory Corporation of America, LabCorp
Classification: Uncertain significance. Last evaluated: 2024-10-25. Review status: criteria provided, single submitter. Criteria: LabCorp Variant Classification Summary - May 2015. Collection method: clinical testing. Allele origin: germline.
Comment: Variant summary: POMT2 c.306C>A (p.Phe102Leu) results in a non-conservative amino acid change located in the Glycosyl transferase family 39/83 domain (IPR003342) of the encoded protein sequence. Five of five in-silico tools predict a damaging effect of the variant on protein function. The frequency data for this variant in gnomAD is considered unreliable, as metrics indicate poor data quality at this position. c.306C>A has been reported in the literature in at least one compound heterozygous individual affected with Congenital Muscular Dystrophy / Limb-Girdle Muscular Dystrophy (e.g. Ostergaard_2018). These data do not allow any conclusion about variant significance. To our knowledge, no experimental evidence demonstrating an impact on protein function has been reported. No submitters have cited clinical-significance assessments for this variant to ClinVar. The following publication has been ascertained in the context of this evaluation (PMID: 29175898). Based on the evidence outlined above, the variant was classified as uncertain significance.

Literature cited by the submitters: PubMed 29175898.